The following is an entry in ClinVar:

NM_001166108.2(PALLD):c.1095T>G (p.Ser365Arg)

Gene: PALLD (palladin, cytoskeletal associated protein; plus strand). Cytogenetic location: 4q32.3.
Variant type: single nucleotide variant.
Coding change: c.1095T>G on transcript NM_001166108.2 (MANE Select); coding-DNA position 1095, T replaced by G.
Protein change: p.Ser365Arg; replaces serine 365 with arginine.
Molecular consequence: missense variant. On other transcripts: 5 prime UTR variant (1).
Genome position (GRCh38, 1-based): chr4:168,681,339, T>G. VCF-style: chr4-168681339-T-G. GRCh37 (hg19) VCF-style: chr4-169602490-T-G.
Other names: c.-52T>G (NM_001166109.2); c.1095T>G, p.Ser365Arg (NM_016081.4); short protein forms S365R.
Identifiers: ClinVar variation 2448468 (VCV002448468.2), dbSNP rs2531573647, ClinGen allele CA358793995.

ClinVar aggregate classification (germline): Uncertain significance (1 of 4 stars; one submission).

Submission:

Ambry Genetics
Classification: Uncertain significance. Last evaluated: 2022-12-29. Review status: criteria provided, single submitter. Criteria: Ambry Variant Classification Scheme 2023. Collection method: clinical testing. Allele origin: germline.
Comment: The p.S365R variant (also known as c.1095T>G), located in coding exon 3 of the PALLD gene, results from a T to G substitution at nucleotide position 1095. The serine at codon 365 is replaced by arginine, an amino acid with dissimilar properties. This amino acid position is conserved. In addition, the in silico prediction for this alteration is inconclusive. Since supporting evidence is limited at this time, the clinical significance of this alteration remains unclear.